The following is an entry in ClinVar:

ClinVar aggregate classification (germline): Uncertain significance (1 of 4 stars; one submission).

gnomAD v4.1: 7 of 1,613,978 alleles (0.00043%); highest among the groups gnomAD compares: Non-Finnish European, 0.00059%; no homozygotes.

Submission:

Labcorp Genetics (formerly Invitae), Labcorp
Classification: Uncertain significance. Last evaluated: 2024-03-12. Review status: criteria provided, single submitter. Criteria: Invitae Variant Classification Sherloc (09022015). Collection method: clinical testing. Allele origin: germline.
Comment: This sequence change replaces lysine, which is basic and polar, with glutamic acid, which is acidic and polar, at codon 1320 of the ROBO2 protein (p.Lys1320Glu). This variant is present in population databases (no rsID available, gnomAD 0.0009%). This variant has not been reported in the literature in individuals affected with ROBO2-related conditions. Advanced modeling of protein sequence and biophysical properties (such as structural, functional, and spatial information, amino acid conservation, physicochemical variation, residue mobility, and thermodynamic stability) performed at Invitae indicates that this missense variant is not expected to disrupt ROBO2 protein function with a negative predictive value of 95%. In summary, the available evidence is currently insufficient to determine the role of this variant in disease. Therefore, it has been classified as a Variant of Uncertain Significance.

NM_001395656.1(ROBO2):c.4243A>G (p.Lys1415Glu)

Gene: ROBO2 (roundabout guidance receptor 2; plus strand). Cytogenetic location: 3p12.3.
Variant type: single nucleotide variant.
Coding change: c.4243A>G on transcript NM_001395656.1 (MANE Select); coding-DNA position 4243, A replaced by G.
Protein change: p.Lys1415Glu; replaces lysine 1415 with glutamic acid.
Molecular consequence: missense variant.
Genome position (GRCh38, 1-based): chr3:77,644,727, A>G. VCF-style: chr3-77644727-A-G. GRCh37 (hg19) VCF-style: chr3-77693878-A-G.
Other names: c.4006A>G, p.Lys1336Glu (NM_001128929.3); c.3970A>G, p.Lys1324Glu (NM_001290039.2); c.4039A>G, p.Lys1347Glu (NM_001378198.1, NM_001378199.1); c.4018A>G, p.Lys1340Glu (NM_001378200.1, NM_001378201.1); c.3961A>G, p.Lys1321Glu (NM_001378202.1); c.3844A>G, p.Lys1282Glu (NM_001378203.1); c.4426A>G, p.Lys1476Glu (NM_001394212.1); c.4165A>G, p.Lys1389Glu (NM_001394213.1); and 11 more; short protein forms K1282E, K1336E, K1340E, K1347E, K1382E, K1389E, K727E, K1343E.
Identifiers: ClinVar variation 3694236 (VCV003694236.2).